The following is an entry in ClinVar:

ClinVar aggregate classification (germline): Uncertain significance (1 of 4 stars; one submission).

Allele frequency attached by ClinVar (database versions not stated): TOPMed below 0.00001; gnomAD exomes 0.00001.
gnomAD v4.1: 5 of 1,613,956 alleles (0.00031%); highest among the groups gnomAD compares: East Asian, 0.0067%; no homozygotes.

Submission:

Labcorp Genetics (formerly Invitae), Labcorp
Classification: Uncertain significance. Last evaluated: 2022-08-16. Review status: criteria provided, single submitter. Criteria: Invitae Variant Classification Sherloc (09022015). Collection method: clinical testing. Allele origin: germline.
Comment: In summary, the available evidence is currently insufficient to determine the role of this variant in disease. Therefore, it has been classified as a Variant of Uncertain Significance. Advanced modeling of protein sequence and biophysical properties (such as structural, functional, and spatial information, amino acid conservation, physicochemical variation, residue mobility, and thermodynamic stability) performed at Invitae indicates that this missense variant is not expected to disrupt NEFH protein function. This missense change has been observed in individual(s) with amyotrophic lateral sclerosis (PMID: 31475037). This variant is present in population databases (no rsID available, gnomAD 0.0009%). This sequence change replaces proline, which is neutral and non-polar, with leucine, which is neutral and non-polar, at codon 505 of the NEFH protein (p.Pro505Leu).

Literature cited by the submitters: PubMed 31475037.

NM_021076.4(NEFH):c.1514C>T (p.Pro505Leu)

Gene: NEFH (neurofilament heavy chain; plus strand). Cytogenetic location: 22q12.2.
Variant type: single nucleotide variant.
Coding change: c.1514C>T on transcript NM_021076.4 (MANE Select); coding-DNA position 1514, C replaced by T.
Protein change: p.Pro505Leu; replaces proline 505 with leucine.
Molecular consequence: missense variant.
Genome position (GRCh38, 1-based): chr22:29,489,154, C>T. VCF-style: chr22-29489154-C-T. GRCh37 (hg19) VCF-style: chr22-29885143-C-T.
Other names: short protein forms P505L.
Identifiers: ClinVar variation 2180976 (VCV002180976.4), dbSNP rs1414968372, ClinGen allele CA411130473.